The following is an entry in ClinVar:

ClinVar aggregate classification (germline): Uncertain significance (1 of 4 stars; one submission).

gnomAD v4.1: 6 of 1,614,026 alleles (0.00037%); highest among the groups gnomAD compares: Admixed American, 0.0083%; no homozygotes.

Submission:

Labcorp Genetics (formerly Invitae), Labcorp
Classification: Uncertain significance. Last evaluated: 2026-01-27. Review status: criteria provided, single submitter. Criteria: Invitae Variant Classification Sherloc (09022015). Collection method: clinical testing. Allele origin: germline.
Comment: This sequence change replaces aspartic acid, which is acidic and polar, with glycine, which is neutral and non-polar, at codon 66 of the HPS4 protein (p.Asp66Gly). This variant is not present in population databases (gnomAD no frequency). This variant has not been reported in the literature in individuals affected with HPS4-related conditions. An algorithm developed to predict the effect of missense changes on protein structure and function (PolyPhen-2) suggests that this variant is likely to be disruptive. In summary, the available evidence is currently insufficient to determine the role of this variant in disease. Therefore, it has been classified as a Variant of Uncertain Significance.

NM_022081.6(HPS4):c.197A>G (p.Asp66Gly)

Gene: HPS4 (HPS4 biogenesis of lysosomal organelles complex 3 subunit 2; minus strand). Cytogenetic location: 22q12.1.
Variant type: single nucleotide variant.
Coding change: c.197A>G on transcript NM_022081.6 (MANE Select); coding-DNA position 197, A replaced by G.
Protein change: p.Asp66Gly; replaces aspartic acid 66 with glycine.
Molecular consequence: missense variant. On other transcripts: non-coding transcript variant (8).
Genome position (GRCh38, 1-based): chr22:26,477,072, T>C on the plus strand (A>G on the coding strand, the complement: HPS4 is on the minus strand). VCF-style: chr22-26477072-T-C. GRCh37 (hg19) VCF-style: chr22-26873038-T-C.
Other names: c.197A>G, p.Asp66Gly (NM_001349896.1, NM_001349898.2, NM_001349899.2 and 7 more transcripts); c.182A>G, p.Asp61Gly (NM_152841.2); short protein forms D66G, D61G.
Identifiers: ClinVar variation 4708059 (VCV004708059.1).